The following is an entry in ClinVar:

NM_213599.3(ANO5):c.2222C>T (p.Ser741Phe)

Gene: ANO5 (anoctamin 5; plus strand). Cytogenetic location: 11p14.3.
Variant type: single nucleotide variant.
Coding change: c.2222C>T on transcript NM_213599.3 (MANE Select); coding-DNA position 2222, C replaced by T.
Protein change: p.Ser741Phe; replaces serine 741 with phenylalanine.
Molecular consequence: missense variant.
Genome position (GRCh38, 1-based): chr11:22,272,976, C>T. VCF-style: chr11-22272976-C-T. GRCh37 (hg19) VCF-style: chr11-22294522-C-T.
Other names: c.2219C>T, p.Ser740Phe (NM_001142649.2); c.2180C>T, p.Ser727Phe (NM_001410963.1); c.2177C>T, p.Ser726Phe (NM_001410964.1); short protein forms S726F, S740F, S741F, S727F.
Identifiers: ClinVar variation 2931806 (VCV002931806.3), dbSNP rs1216567128, ClinGen allele CA379924039.
Genomic context (GRCh38, chr11:22,272,976, plus strand): 5'-CTTCTAAAGCTCATAGCATAGGTGTTTGGCAAGACATTCTTTATGGAATGGCTGTCCTTT[C>T]TGTTGCAACTAATGTAAGTGGACCTATTTCGGTGGGGTGACTTTGTATTTCATTTTGGGG-3'
Protein context (NP_998764.1, residues 731-751): QDILYGMAVL[Ser741Phe]VATNAFIVAF

ClinVar aggregate classification (germline): Uncertain significance (1 of 4 stars; one submission).

Conditions:
Gnathodiaphyseal dysplasia (GDD). Also called: GNATHODIAPHYSEAL SCLEROSIS; OSTEOGENESIS IMPERFECTA WITH UNUSUAL SKELETAL LESIONS. Identifiers: Orphanet 53697, MedGen C1833736, MONDO:0008151, OMIM 166260.
Autosomal recessive limb-girdle muscular dystrophy type 2L (LGMDR12). Also called: Limb-girdle muscular dystrophy, type 2L; MUSCULAR DYSTROPHY, LIMB-GIRDLE, AUTOSOMAL RECESSIVE 12; Limb-Girdle Muscular Dystrophy R12 Anoctamin-5-Related (LGMD-R12). Identifiers: Orphanet 206549, MedGen C1969785, MONDO:0012652, OMIM 611307.

Allele frequency attached by ClinVar (database versions not stated): gnomAD 0.00001.
gnomAD v4.1: 7 of 1,613,772 alleles (0.00043%); highest among the groups gnomAD compares: African/African-American, 0.0013%; no homozygotes.

Submission:

Labcorp Genetics (formerly Invitae), Labcorp
Classification: Uncertain significance for Autosomal recessive limb-girdle muscular dystrophy type 2L; Gnathodiaphyseal dysplasia. Last evaluated: 2024-04-09. Review status: criteria provided, single submitter. Criteria: Invitae Variant Classification Sherloc (09022015). Collection method: clinical testing. Allele origin: germline.
Comment: This sequence change replaces serine, which is neutral and polar, with phenylalanine, which is neutral and non-polar, at codon 741 of the ANO5 protein (p.Ser741Phe). This variant is not present in population databases (gnomAD no frequency). This variant has not been reported in the literature in individuals affected with ANO5-related conditions. Advanced modeling of protein sequence and biophysical properties (such as structural, functional, and spatial information, amino acid conservation, physicochemical variation, residue mobility, and thermodynamic stability) performed at Invitae indicates that this missense variant is expected to disrupt ANO5 protein function with a positive predictive value of 95%. In summary, the available evidence is currently insufficient to determine the role of this variant in disease. Therefore, it has been classified as a Variant of Uncertain Significance.